The following is an entry in ClinVar:

ClinVar aggregate classification (germline): Uncertain significance (1 of 4 stars; one submission).

Allele frequency attached by ClinVar (database versions not stated): TOPMed below 0.00001; ExAC 0.00001; gnomAD 0.00001; gnomAD exomes 0.00001 and 0.00002.
gnomAD v4.1: 27 of 1,613,520 alleles (0.0017%); highest among the groups gnomAD compares: Non-Finnish European, 0.0018%; no homozygotes.

Submission:

Labcorp Genetics (formerly Invitae), Labcorp
Classification: Uncertain significance. Last evaluated: 2025-07-28. Review status: criteria provided, single submitter. Criteria: Invitae Variant Classification Sherloc (09022015). Collection method: clinical testing. Allele origin: germline.
Comment: This sequence change replaces leucine, which is neutral and non-polar, with valine, which is neutral and non-polar, at codon 294 of the LEMD3 protein (p.Leu294Val). This variant is present in population databases (rs760918161, gnomAD 0.004%). This variant has not been reported in the literature in individuals affected with LEMD3-related conditions. ClinVar contains an entry for this variant (Variation ID: 1475433). Invitae Evidence Modeling of protein sequence and biophysical properties (such as structural, functional, and spatial information, amino acid conservation, physicochemical variation, residue mobility, and thermodynamic stability) indicates that this missense variant is not expected to disrupt LEMD3 protein function with a negative predictive value of 80%. In summary, the available evidence is currently insufficient to determine the role of this variant in disease. Therefore, it has been classified as a Variant of Uncertain Significance.

NM_014319.5(LEMD3):c.880C>G (p.Leu294Val)

Gene: LEMD3 (LEM domain containing 3; plus strand). Cytogenetic location: 12q14.3.
Variant type: single nucleotide variant.
Coding change: c.880C>G on transcript NM_014319.5 (MANE Select); coding-DNA position 880, C replaced by G.
Protein change: p.Leu294Val; replaces leucine 294 with valine.
Molecular consequence: missense variant.
Genome position (GRCh38, 1-based): chr12:65,170,476, C>G. VCF-style: chr12-65170476-C-G. GRCh37 (hg19) VCF-style: chr12-65564256-C-G.
Other names: c.880C>G, p.Leu294Val (NM_001167614.2); short protein forms L294V.
Identifiers: ClinVar variation 1475433 (VCV001475433.6), dbSNP rs760918161, ClinGen allele CA6670785.